The following is an entry in ClinVar:

ClinVar aggregate classification (germline): Uncertain significance. Review status: criteria provided, multiple submitters, no conflicts (2 of 4 stars). 2 submissions from 2 submitters: Uncertain significance (2). Last evaluated 2022-07-19.

Conditions:
Charcot-Marie-Tooth disease type 2. Also called: Charcot-Marie-Tooth type 2. Identifiers: Orphanet 64746, MedGen C0270914, MONDO:0018993.
Cardiovascular phenotype. Identifiers: MedGen CN230736.

Allele frequency attached by ClinVar (database versions not stated): gnomAD 0.00001.
gnomAD v4.1: 1 of 1,612,802 alleles (0.000062%); highest among the groups gnomAD compares: African/African-American, 0.0013%; no homozygotes.

Submissions (2):

Labcorp Genetics (formerly Invitae), Labcorp
Classification: Uncertain significance for Charcot-Marie-Tooth disease type 2. Last evaluated: 2022-07-19. Review status: criteria provided, single submitter. Criteria: Invitae Variant Classification Sherloc (09022015). Collection method: clinical testing. Allele origin: germline.
Comment: This sequence change replaces alanine, which is neutral and non-polar, with valine, which is neutral and non-polar, at codon 605 of the LMNA protein (p.Ala605Val). In summary, the available evidence is currently insufficient to determine the role of this variant in disease. Therefore, it has been classified as a Variant of Uncertain Significance. Algorithms developed to predict the effect of missense changes on protein structure and function are either unavailable or do not agree on the potential impact of this missense change (SIFT: "Deleterious"; PolyPhen-2: "Benign"; Align-GVGD: "Class C0"). ClinVar contains an entry for this variant (Variation ID: 1495359). This variant has not been reported in the literature in individuals affected with LMNA-related conditions. This variant is not present in population databases (gnomAD no frequency).

Ambry Genetics
Classification: Uncertain significance for Cardiovascular phenotype. Last evaluated: 2020-09-09. Review status: criteria provided, single submitter. Criteria: Ambry Variant Classification Scheme 2023. Collection method: clinical testing. Allele origin: germline.
Comment: The p.A605V variant (also known as c.1814C>T), located in coding exon 11 of the LMNA gene, results from a C to T substitution at nucleotide position 1814. The alanine at codon 605 is replaced by valine, an amino acid with similar properties. This amino acid position is not well conserved in available vertebrate species, and valine is the reference amino acid in other vertebrate species. In addition, the in silico prediction for this alteration is inconclusive. Since supporting evidence is limited at this time, the clinical significance of this alteration remains unclear.

NM_170707.4(LMNA):c.1814C>T (p.Ala605Val)

Gene: LMNA (lamin A/C; plus strand). Cytogenetic location: 1q22.
Variant type: single nucleotide variant.
Coding change: c.1814C>T on transcript NM_170707.4 (MANE Select); coding-DNA position 1814, C replaced by T.
Protein change: p.Ala605Val; replaces alanine 605 with valine.
Molecular consequence: missense variant.
Genome position (GRCh38, 1-based): chr1:156,138,603, C>T. VCF-style: chr1-156138603-C-T. GRCh37 (hg19) VCF-style: chr1-156108394-C-T.
Other names: c.1478C>T, p.Ala493Val (NM_001257374.3); c.1814C>T, p.Ala605Val (NM_001282626.2); c.1724C>T, p.Ala575Val (NM_170708.4); short protein forms A493V, A605V, A575V.
Identifiers: ClinVar variation 1495359 (VCV001495359.8), dbSNP rs1651866275, ClinGen allele CA342827028.